The following is an entry in ClinVar:

NM_000038.6(APC):c.5168T>A (p.Ile1723Asn)

Gene: APC (APC regulator of Wnt signaling pathway; plus strand). Cytogenetic location: 5q22.2.
Variant type: single nucleotide variant.
Coding change: c.5168T>A on transcript NM_000038.6 (MANE Select); coding-DNA position 5168, T replaced by A.
Protein change: p.Ile1723Asn; replaces isoleucine 1723 with asparagine.
Molecular consequence: missense variant. On other transcripts: non-coding transcript variant (2).
Genome position (GRCh38, 1-based): chr5:112,840,762, T>A. VCF-style: chr5-112840762-T-A. GRCh37 (hg19) VCF-style: chr5-112176459-T-A.
Other names: c.5168T>A, p.Ile1723Asn (NM_001127510.3, NM_001354895.2, NM_001407450.1); c.5114T>A, p.Ile1705Asn (NM_001127511.3); c.5222T>A, p.Ile1741Asn (NM_001354896.2, NM_001407447.1, NM_001407448.1 and 1 more transcripts); c.5198T>A, p.Ile1733Asn (NM_001354897.2); c.5093T>A, p.Ile1698Asn (NM_001354898.2); c.5084T>A, p.Ile1695Asn (NM_001354899.2); c.5045T>A, p.Ile1682Asn (NM_001354900.2); c.4991T>A, p.Ile1664Asn (NM_001354901.2, NM_001407453.1); and 11 more; short protein forms I1563N, I1640N, I1682N, I1695N, I1713N, I1716N, I1339N, I1597N.
Identifiers: ClinVar variation 2567066 (VCV002567066.2), dbSNP rs1308242882, ClinGen allele CA16032628.

ClinVar aggregate classification (germline): Uncertain significance (1 of 4 stars; one submission).

Conditions:
Hereditary cancer-predisposing syndrome. Also called: Hereditary neoplastic syndrome; Hereditary Cancer Syndrome; Neoplastic Syndromes, Hereditary; Tumor predisposition. Identifiers: Orphanet 140162, MedGen C0027672, MeSH D009386, MONDO:0015356.

Submission:

Ambry Genetics
Classification: Uncertain significance for Hereditary cancer-predisposing syndrome. Last evaluated: 2023-06-10. Review status: criteria provided, single submitter. Criteria: Ambry Variant Classification Scheme 2023. Collection method: clinical testing. Allele origin: germline.
Comment: The p.I1723N variant (also known as c.5168T>A), located in coding exon 15 of the APC gene, results from a T to A substitution at nucleotide position 5168. The isoleucine at codon 1723 is replaced by asparagine, an amino acid with dissimilar properties. This amino acid position is conserved. In addition, in silico predictors for this gene do not accurately predict pathogenicity. Since supporting evidence is limited at this time, the clinical significance of this alteration remains unclear.